The following is an entry in ClinVar:

NM_000017.4(ACADS):c.1164_1165del (p.Glu389fs)

Gene: ACADS (acyl-CoA dehydrogenase short chain; plus strand). Cytogenetic location: 12q24.31.
Variant type: Deletion.
Coding change: c.1164_1165del on transcript NM_000017.4 (MANE Select); coding-DNA positions 1164 to 1165, 2 bases deleted (TG; older notation c.1164_1165delTG).
Protein change: p.Glu389fs; shifts the reading frame from glutamic acid 389.
Molecular consequence: frameshift variant.
Genome position (GRCh38, 1-based): chr12:120,739,373-120,739,374, TG deleted. VCF-style (leftmost placement, unchanged base first): chr12-120739372-CTG-C. GRCh37 (hg19) VCF-style: chr12-121177175-CTG-C.
Other names: c.1152_1153del, p.Glu385fs (NM_001302554.2); short protein forms E389fs, E385fs.
Identifiers: ClinVar variation 370351 (VCV000370351.5), dbSNP rs1057516421, ClinGen allele CA16041574.

ClinVar aggregate classification (germline): Pathogenic. Review status: criteria provided, single submitter (1 of 4 stars). 2 submissions from 2 submitters: Pathogenic (1). 1 of the submissions does not count toward it. Last evaluated 2026-01-09.

Conditions:
Deficiency of butyryl-CoA dehydrogenase (ACADSD). Also called: ACYL-CoA DEHYDROGENASE, SHORT-CHAIN, DEFICIENCY OF; ACADS DEFICIENCY; SCADH DEFICIENCY; SCAD DEFICIENCY, MILD; SCAD Deficiency; Short-Chain Acyl-CoA Dehydrogenase Deficiency. Identifiers: Orphanet 26792, MedGen C0342783, MONDO:0008722, OMIM 201470. Disease mechanism: May be benign.

Allele frequency attached by ClinVar (database versions not stated): gnomAD exomes 0.00001.

Submissions (2):

Labcorp Genetics (formerly Invitae), Labcorp
Classification: Pathogenic for Deficiency of butyryl-CoA dehydrogenase. Last evaluated: 2026-01-09. Review status: criteria provided, single submitter. Criteria: Invitae Variant Classification Sherloc (09022015). Collection method: clinical testing. Allele origin: germline.
Comment: This sequence change is expected to alter the c-terminus of the ACADS protein (p.Glu389Aspfs*101). While this is not anticipated to result in nonsense mediated decay, it is expected to disrupt the last 24 amino acid(s) of the ACADS protein and extend the protein by 76 additional amino acid residues. This variant is present in population databases (no rsID available, gnomAD 0.006%). This frameshift has been observed in individual(s) with short-chain acyl-coenzyme A dehydrogenase deficiency (internal data). ClinVar contains an entry for this variant (Variation ID: 370351). This variant disrupts a region of the ACADS protein in which other variant(s) (p.Gln398*) have been determined to be pathogenic (internal data). This suggests that this is a clinically significant region of the protein, and that variants that disrupt it are likely to be disease-causing. For these reasons, this variant has been classified as Pathogenic.

Counsyl
Classification: Likely pathogenic for Deficiency of butyryl-CoA dehydrogenase. Last evaluated: 2016-01-18. Review status: no assertion criteria provided. Collection method: clinical testing. Allele origin: unknown. Not counted in ClinVar's aggregate classification.

Literature cited by the submitters: PubMed 22241096 (cited by Counsyl).